The following is an entry in ClinVar:

NM_022114.4(PRDM16):c.1952del (p.Gly651fs)

Gene: PRDM16 (PR/SET domain 16; plus strand). Cytogenetic location: 1p36.32.
Variant type: Deletion.
Coding change: c.1952del on transcript NM_022114.4 (MANE Select); coding-DNA position 1952, one base deleted (G; older notation c.1952delG).
Protein change: p.Gly651fs; shifts the reading frame from glycine 651.
Molecular consequence: frameshift variant.
Genome position (GRCh38, 1-based): chr1:3,412,149, G deleted; the last of 5 consecutive G bases (chr1:3,412,145-3,412,149); deleting any one gives the same sequence. VCF-style (leftmost placement, unchanged base first): chr1-3412144-TG-T. GRCh37 (hg19) VCF-style: chr1-3328708-TG-T.
Other names: c.1952del, p.Gly651fs (NM_199454.3); short protein forms G651fs.
Identifiers: ClinVar variation 3727978 (VCV003727978.2).
Genomic context (GRCh38, chr1:3,412,144, plus strand): 5'-GGACAGCGACCCTGACAAGGACAAGGGCAAGGGCAAGTCCGCCGAGGGCCAGCCCAAGTT[TG>T]GGGGCGGCTTGGCGCCCCCGGGGGCCCCGAACAGCGTGGCCGAGGTGCCTGTCTTCTATT-3'

ClinVar aggregate classification (germline): Uncertain significance (1 of 4 stars; one submission).

Conditions:
Left ventricular noncompaction 8 (LVNC8). Identifiers: Orphanet 154, Orphanet 54260, MedGen C3809288, MONDO:0014152, OMIM 615373.

Submission:

Labcorp Genetics (formerly Invitae), Labcorp
Classification: Uncertain significance for Left ventricular noncompaction 8. Last evaluated: 2024-12-24. Review status: criteria provided, single submitter. Criteria: Invitae Variant Classification Sherloc (09022015). Collection method: clinical testing. Allele origin: germline.
Comment: This sequence change creates a premature translational stop signal (p.Gly651Alafs*33) in the PRDM16 gene. It is expected to result in an absent or disrupted protein product. However, the current clinical and genetic evidence is not sufficient to establish whether loss-of-function variants in PRDM16 cause disease. This variant is not present in population databases (gnomAD no frequency). This variant has not been reported in the literature in individuals affected with PRDM16-related conditions. In summary, the available evidence is currently insufficient to determine the role of this variant in disease. Therefore, it has been classified as a Variant of Uncertain Significance.